The following is an entry in ClinVar:

ClinVar aggregate classification (germline): Uncertain significance (1 of 4 stars; one submission).

Conditions:
Saldino-Mainzer syndrome (SRTD9). Also called: CONORENAL SYNDROME; Renal dysplasia, retinal pigmentary dystrophy, cerebellar ataxia and skeletal dysplasia; short-rib thoracic dysplasia 9 with or without polydactyly; SHORT-RIB THORACIC DYSPLASIA 9 WITHOUT POLYDACTYLY. Identifiers: Orphanet 140969, MedGen C1849437, MONDO:0009964, OMIM 266920.

Submission:

Labcorp Genetics (formerly Invitae), Labcorp
Classification: Uncertain significance for Saldino-Mainzer syndrome. Last evaluated: 2020-08-29. Review status: criteria provided, single submitter. Criteria: Invitae Variant Classification Sherloc (09022015). Collection method: clinical testing. Allele origin: germline.
Comment: This variant has not been reported in the literature in individuals with IFT140-related conditions. In summary, the available evidence is currently insufficient to determine the role of this variant in disease. Therefore, it has been classified as a Variant of Uncertain Significance. Algorithms developed to predict the effect of missense changes on protein structure and function are either unavailable or do not agree on the potential impact of this missense change (SIFT: "Deleterious"; PolyPhen-2: "Possibly Damaging"; Align-GVGD: "Class C0"). This variant is not present in population databases (ExAC no frequency). This sequence change replaces cysteine with tryptophan at codon 559 of the IFT140 protein (p.Cys559Trp). The cysteine residue is weakly conserved and there is a large physicochemical difference between cysteine and tryptophan.

NM_014714.4(IFT140):c.1677C>G (p.Cys559Trp)

Gene: IFT140 (intraflagellar transport 140; minus strand). Cytogenetic location: 16p13.3.
Variant type: single nucleotide variant.
Coding change: c.1677C>G on transcript NM_014714.4 (MANE Select); coding-DNA position 1677, C replaced by G.
Protein change: p.Cys559Trp; replaces cysteine 559 with tryptophan.
Molecular consequence: missense variant.
Genome position (GRCh38, 1-based): chr16:1,568,310, G>C on the plus strand (C>G on the coding strand, the complement: IFT140 is on the minus strand). VCF-style: chr16-1568310-G-C. GRCh37 (hg19) VCF-style: chr16-1618311-G-C.
Other names: short protein forms C559W.
Identifiers: ClinVar variation 1057866 (VCV001057866.9), dbSNP rs2033834541, ClinGen allele CA394207568.